The following is an entry in ClinVar:

ClinVar aggregate classification (germline): Uncertain significance. Review status: criteria provided, multiple submitters, no conflicts (2 of 4 stars). 2 submissions from 2 submitters: Uncertain significance (2). Last evaluated 2025-11-11.

Conditions:
Inborn genetic diseases. Identifiers: MedGen C0950123, MeSH D030342.

gnomAD v4.1: 28 of 1,614,222 alleles (0.0017%); highest among the groups gnomAD compares: Admixed American, 0.027%; no homozygotes.

Submissions (2):

Ambry Genetics
Classification: Uncertain significance for Inborn genetic diseases. Last evaluated: 2025-11-11. Review status: criteria provided, single submitter. Criteria: Ambry Variant Classification Scheme 2023. Collection method: clinical testing. Allele origin: germline.

Women's Health and Genetics/Laboratory Corporation of America, LabCorp
Classification: Uncertain significance. Last evaluated: 2025-07-16. Review status: criteria provided, single submitter. Criteria: LabCorp Variant Classification Summary - May 2015. Collection method: clinical testing. Allele origin: germline.
Comment: Variant summary: WDR11 c.2861C>T (p.Ala954Val) results in a non-conservative amino acid change in the encoded protein sequence. Algorithms developed to predict the effect of missense changes on protein structure and function are either unavailable or do not agree on the potential impact of this missense change. The variant allele was found at a frequency of 6.8e-05 in 251426 control chromosomes. This frequency is not significantly higher than estimated for a pathogenic variant in WDR11 causing WDR11-Related Disorders, allowing no conclusion about variant significance. To our knowledge, no occurrence of c.2861C>T in individuals affected with WDR11-Related Disorders and no experimental evidence demonstrating its impact on protein function have been reported. No submitters have cited clinical-significance assessments for this variant to ClinVar. Based on the evidence outlined above, the variant was classified as uncertain significance.

NM_018117.12(WDR11):c.2861C>T (p.Ala954Val)

Gene: WDR11 (WD repeat domain 11; plus strand). Cytogenetic location: 10q26.12.
Variant type: single nucleotide variant.
Coding change: c.2861C>T on transcript NM_018117.12 (MANE Select); coding-DNA position 2861, C replaced by T.
Protein change: p.Ala954Val; replaces alanine 954 with valine.
Molecular consequence: missense variant.
Genome position (GRCh38, 1-based): chr10:120,903,162, C>T. VCF-style: chr10-120903162-C-T. GRCh37 (hg19) VCF-style: chr10-122662674-C-T.
Other names: c.2861C>T (NM_018117.11); short protein forms A954V.
Identifiers: ClinVar variation 4525834 (VCV004525834.2).